The following is an entry in ClinVar:

NM_006205.3(PDE6H):c.229C>T (p.Leu77Phe)

Gene: PDE6H (phosphodiesterase 6H; plus strand). Cytogenetic location: 12p12.3.
Variant type: single nucleotide variant.
Coding change: c.229C>T on transcript NM_006205.3 (MANE Select); coding-DNA position 229, C replaced by T.
Protein change: p.Leu77Phe; replaces leucine 77 with phenylalanine.
Molecular consequence: missense variant.
Genome position (GRCh38, 1-based): chr12:14,981,453, C>T. VCF-style: chr12-14981453-C-T. GRCh37 (hg19) VCF-style: chr12-15134387-C-T.
Other names: short protein forms L77F.
Identifiers: ClinVar variation 1037397 (VCV001037397.8), dbSNP rs1864682429, ClinGen allele CA384025534.

ClinVar aggregate classification (germline): Uncertain significance (1 of 4 stars; one submission).

Submission:

Labcorp Genetics (formerly Invitae), Labcorp
Classification: Uncertain significance. Last evaluated: 2022-02-04. Review status: criteria provided, single submitter. Criteria: Invitae Variant Classification Sherloc (09022015). Collection method: clinical testing. Allele origin: germline.
Comment: In summary, the available evidence is currently insufficient to determine the role of this variant in disease. Therefore, it has been classified as a Variant of Uncertain Significance. Algorithms developed to predict the effect of missense changes on protein structure and function are either unavailable or do not agree on the potential impact of this missense change (SIFT: "Deleterious"; PolyPhen-2: "Probably Damaging"; Align-GVGD: "Class C0"). ClinVar contains an entry for this variant (Variation ID: 1037397). This variant has not been reported in the literature in individuals affected with PDE6H-related conditions. This variant is not present in population databases (gnomAD no frequency). This sequence change replaces leucine, which is neutral and non-polar, with phenylalanine, which is neutral and non-polar, at codon 77 of the PDE6H protein (p.Leu77Phe).